The following is an entry in ClinVar:

ClinVar aggregate classification (germline): Uncertain significance (1 of 4 stars; one submission).

Conditions:
Spastic paraplegia 84, autosomal recessive (SPG84). Identifiers: Orphanet 631079, MedGen C5562025, MONDO:0030482, OMIM 619621.

gnomAD v4.1: 1 of 1,614,160 alleles (0.000062%); no homozygotes.

Submission:

3billion
Classification: Uncertain significance for Spastic paraplegia 84, autosomal recessive. Last evaluated: 2026-01-23. Review status: criteria provided, single submitter. Criteria: ACMG Guidelines, 2015. Collection method: clinical testing. Allele origin: germline. Affected: yes.
Comment: The variant is observed at an extremely low frequency in the gnomAD v4.1.0 dataset (total allele frequency: <0.001%). Predicted Consequence/Location: Missense variant In silico tool prediction suggests damaging effect of the variant on gene or gene product [REVEL: 0.65 (>=0.6, sensitivity 0.68 and specificity 0.92)]. Therefore, this variant is classified as VUS according to the recommendation of ACMG/AMP guideline.

NM_058004.4(PI4KA):c.3656T>G (p.Leu1219Arg)

Gene: PI4KA (phosphatidylinositol 4-kinase alpha; minus strand). Cytogenetic location: 22q11.21.
Variant type: single nucleotide variant.
Coding change: c.3656T>G on transcript NM_058004.4 (MANE Select); coding-DNA position 3656, T replaced by G.
Protein change: p.Leu1219Arg; replaces leucine 1219 with arginine.
Molecular consequence: missense variant.
Genome position (GRCh38, 1-based): chr22:20,742,313, A>C on the plus strand (T>G on the coding strand, the complement: PI4KA is on the minus strand). VCF-style: chr22-20742313-A-C. GRCh37 (hg19) VCF-style: chr22-21096601-A-C.
Other names: c.3563T>G, p.Leu1188Arg (NM_001362862.2); c.3590T>G, p.Leu1197Arg (NM_001362863.2); short protein forms L1188R, L1197R, L1219R.
Identifiers: ClinVar variation 4855439 (VCV004855439.1).